The following is an entry in ClinVar:

ClinVar aggregate classification (germline): Uncertain significance (1 of 4 stars; one submission).

Submission:

Labcorp Genetics (formerly Invitae), Labcorp
Classification: Uncertain significance. Last evaluated: 2024-11-18. Review status: criteria provided, single submitter. Criteria: Invitae Variant Classification Sherloc (09022015). Collection method: clinical testing. Allele origin: germline.
Comment: This sequence change replaces glycine, which is neutral and non-polar, with serine, which is neutral and polar, at codon 128 of the NOG protein (p.Gly128Ser). This variant is present in population databases (rs774210447, gnomAD 0.01%). This variant has not been reported in the literature in individuals affected with NOG-related conditions. An algorithm developed to predict the effect of missense changes on protein structure and function (PolyPhen-2) suggests that this variant is likely to be tolerated. In summary, the available evidence is currently insufficient to determine the role of this variant in disease. Therefore, it has been classified as a Variant of Uncertain Significance.

NM_005450.6(NOG):c.382G>A (p.Gly128Ser)

Gene: NOG (noggin; plus strand). Cytogenetic location: 17q22.
Variant type: single nucleotide variant.
Coding change: c.382G>A on transcript NM_005450.6 (MANE Select); coding-DNA position 382, G replaced by A.
Protein change: p.Gly128Ser; replaces glycine 128 with serine.
Molecular consequence: missense variant.
Genome position (GRCh38, 1-based): chr17:56,594,605, G>A. VCF-style: chr17-56594605-G-A. GRCh37 (hg19) VCF-style: chr17-54671966-G-A.
Other names: short protein forms G128S.
Identifiers: ClinVar variation 3718051 (VCV003718051.2).